The following is an entry in ClinVar:

ClinVar aggregate classification (germline): Pathogenic (1 of 4 stars; one submission).

gnomAD v4.1: 1 of 1,596,480 alleles (0.000063%); highest among the groups gnomAD compares: African/African-American, 0.0013%; no homozygotes.

Submission:

Labcorp Genetics (formerly Invitae), Labcorp
Classification: Pathogenic. Last evaluated: 2024-10-26. Review status: criteria provided, single submitter. Criteria: Invitae Variant Classification Sherloc (09022015). Collection method: clinical testing. Allele origin: germline.
Comment: This sequence change creates a premature translational stop signal (p.Tyr564*) in the SI gene. It is expected to result in an absent or disrupted protein product. Loss-of-function variants in SI are known to be pathogenic (PMID: 16329100, 23103650, 25452324). This variant is not present in population databases (gnomAD no frequency). This variant has not been reported in the literature in individuals affected with SI-related conditions. ClinVar contains an entry for this variant (Variation ID: 2083854). Algorithms developed to predict the effect of sequence changes on RNA splicing suggest that this variant may disrupt the consensus splice site. For these reasons, this variant has been classified as Pathogenic.

Literature cited by the submitters: PubMed 16329100; PubMed 23103650; PubMed 25452324.

NM_001041.4(SI):c.1692C>G (p.Tyr564Ter)

Gene: SI (sucrase-isomaltase; minus strand). Cytogenetic location: 3q26.1.
Variant type: single nucleotide variant.
Coding change: c.1692C>G on transcript NM_001041.4 (MANE Select); coding-DNA position 1692, C replaced by G.
Protein change: p.Tyr564Ter; replaces tyrosine 564 with a stop codon.
Molecular consequence: nonsense.
Genome position (GRCh38, 1-based): chr3:165,049,150, G>C on the plus strand (C>G on the coding strand, the complement: SI is on the minus strand). VCF-style: chr3-165049150-G-C. GRCh37 (hg19) VCF-style: chr3-164766938-G-C.
Other names: short protein forms Y564*.
Identifiers: ClinVar variation 2083854 (VCV002083854.4), dbSNP rs775470535, ClinGen allele CA355052895.
Genomic context (GRCh38, chr3:165,049,150, plus strand): 5'-AAATATGAAAGAAGTCTTTGAATGAAATTGCACTTACTGCTCTGTGGCTATAGCCATGCT[G>C]TATCCATAGAGGCTATGAACATCATACTGTTTACCCCAGTTCTGCACAGCATCCATGCAA-3'